The following is an entry in ClinVar:

NM_001754.5(RUNX1):c.1263_1264insTCCCTCCTACCACCTGTACTACGGCGCCTCGGCCGGCTCCTACCAGTTCTCCATGGTGGGCGGC (p.Glu422fs)

Gene: RUNX1 (RUNX family transcription factor 1; minus strand). Cytogenetic location: 21q22.12.
Variant type: Microsatellite.
Coding change: c.1263_1264insTCCCTCCTACCACCTGTACTACGGCGCCTCGGCCGGCTCCTACCAGTTCTCCATGGTGGGCGGC on transcript NM_001754.5 (MANE Select); coding-DNA positions 1263 to 1264, TCCCTCCTACCACCTGTACTACGGCGCCTCGGCCGGCTCCTACCAGTTCTCCATGGTGGGCGGC inserted.
Protein change: p.Glu422fs; shifts the reading frame from glutamic acid 422.
Molecular consequence: frameshift variant.
Genome position: GRCh38: chr21:34,792,315-34,792,377. GRCh37 (hg19): chr21:36,164,612-36,164,674.
Other names: NM_001754.5(RUNX1):c.1263_1264insTCCCTCCTACCACCTGTACTACGGCGCCTCGGCCGGCTCCTACCAGTTCTCCATGGTGGGCGGC; p.Glu422fs; c.1182_1183insTCCCTCCTACCACCTGTACTACGGCGCCTCGGCCGGCTCCTACCAGTTCTCCATGGTGGGCGGC, p.Glu395fs (NM_001001890.3); short protein forms E395fs, E422fs.
Identifiers: ClinVar variation 561226 (VCV000561226.4), dbSNP rs1569001972.

ClinVar aggregate classification (germline): Likely pathogenic. Review status: reviewed by expert panel (3 of 4 stars). 2 submissions from 2 submitters: Likely pathogenic (1). 1 of the submissions does not count toward it. Last evaluated 2026-10-15.

Conditions:
Hereditary thrombocytopenia and hematologic cancer predisposition syndrome. Identifiers: Orphanet 71290, MedGen CN281654, MONDO:0011071.

Submissions (2):

ClinGen Myeloid Malignancy Variant Curation Expert Panel
Classification: Likely pathogenic for Hereditary thrombocytopenia and hematologic cancer predisposition syndrome. Last evaluated: 2026-10-15. Review status: reviewed by expert panel. Criteria: ClinGen MyeloMalig ACMG Specifications V3.1. Collection method: curation. Allele origin: germline. Inheritance: Autosomal dominant inheritance.
Comment: NM_001754.5(RUNX1):c.1263_1264insTCCCTCCTACCACCTGTACTACGGCGCCTCGGCCGGCTCCTACCAGTTCTCCATGGTGGGCGGC (p.Glu422fs) is a frameshift variant which is not predicted to undergo NMD (PVS1_Strong). This variant is downstream of c.98 (PM5_Supporting) and is completely absent from all population databases with at least 20x coverage for RUNX1 (PM2_Supporting). In summary, this variant meets criteria to be classified as likely pathogenic. ACMG/AMP criteria applied, as specified by the ClinGen Myeloid Malignancy Variant Curation Expert Panel for RUNX1: PVS1_Strong, PM5_Supporting, PM2_Supporting.

PreventionGenetics, part of Exact Sciences
Classification: Likely pathogenic. Last evaluated: 2018-07-12. Review status: criteria provided, single submitter. Criteria: ACMG Guidelines, 2015. Collection method: clinical testing. Allele origin: germline. Not counted in ClinVar's aggregate classification.